The following is an entry in ClinVar:

NM_003072.5(SMARCA4):c.726_731dup (p.229_230GP[9])

Gene: SMARCA4 (SWI/SNF related BAF chromatin remodeling complex subunit ATPase 4; plus strand). Cytogenetic location: 19p13.2.
Variant type: Duplication.
Coding change: c.726_731dup on transcript NM_003072.5 (MANE Select); coding-DNA positions 726 to 731, 6 bases duplicated (CGGCCC; older notation c.726_731dupCGGCCC).
Protein change: p.229_230GP[9].
Molecular consequence: inframe insertion. On other transcripts: non-coding transcript variant (1).
Genome position (GRCh38, 1-based): chr19:10,986,559-10,986,564, CGGCCC duplicated; duplicating any 6 consecutive bases within chr19:10,986,557-10,986,564 gives the same sequence; the c. name uses the placement nearest the transcript's 3' end. VCF-style (leftmost placement, unchanged base first): chr19-10986556-T-TCCCGGC. GRCh37 (hg19) VCF-style: chr19-11097232-T-TCCCGGC.
Other names: c.726_731dup, p.229_230GP[9] (NM_001128844.3, NM_001128845.2, NM_001128846.2 and 4 more transcripts).
Identifiers: ClinVar variation 837839 (VCV000837839.9), dbSNP rs2086059171, ClinGen allele CA916083660.

ClinVar aggregate classification (germline): Uncertain significance (1 of 4 stars; one submission).

Conditions:
Rhabdoid tumor predisposition syndrome 2 (RTPS2). Identifiers: Orphanet 231108, Orphanet 69077, MedGen C2750074, MONDO:0013224, OMIM 613325.

Submission:

Labcorp Genetics (formerly Invitae), Labcorp
Classification: Uncertain significance for Rhabdoid tumor predisposition syndrome 2. Last evaluated: 2019-05-25. Review status: criteria provided, single submitter. Criteria: Invitae Variant Classification Sherloc (09022015). Collection method: clinical testing. Allele origin: germline.
Comment: In summary, the available evidence is currently insufficient to determine the role of this variant in disease. Therefore, it has been classified as a Variant of Uncertain Significance. Experimental studies and prediction algorithms are not available or were not evaluated for this variant, and the functional significance of the affected amino acid(s) is currently unknown. This variant has not been reported in the literature in individuals with SMARCA4-related conditions. The frequency data for this variant in the population databases is considered unreliable, as metrics indicate insufficient coverage at this position in the ExAC database. This variant, c.726_731dup, results in the insertion of 2 amino acid(s) to the SMARCA4 protein (p.Gly243_Pro244dup), but otherwise preserves the integrity of the reading frame.